The following is an entry in ClinVar:

ClinVar aggregate classification (germline): Uncertain significance (1 of 4 stars; one submission).

Conditions:
TTN-related disorder. Also called: TTN-related disorders; TTN-related condition; TTN-related disease.

gnomAD v4.1: 16 of 1,613,634 alleles (0.00099%); highest among the groups gnomAD compares: South Asian, 0.013%; no homozygotes.

Submission:

PreventionGenetics, part of Exact Sciences
Classification: Uncertain significance for TTN-related condition. Last evaluated: 2025-10-10. Review status: criteria provided, single submitter. Criteria: ACMG Guidelines, 2015. Collection method: clinical testing. Allele origin: germline.
Comment: The TTN c.26083A>G variant is predicted to result in the amino acid substitution p.Asn8695Asp. To our knowledge, this variant has not been reported in the literature. This variant is reported in 0.0098% of alleles in individuals of South Asian descent in gnomAD. At this time, the clinical significance of this variant is uncertain due to the absence of conclusive functional and genetic evidence.

NM_001267550.2(TTN):c.26083A>G (p.Asn8695Asp)

Gene: TTN (titin; minus strand). Cytogenetic location: 2q31.2.
Variant type: single nucleotide variant.
Coding change: c.26083A>G on transcript NM_001267550.2 (MANE Select); coding-DNA position 26083, A replaced by G.
Protein change: p.Asn8695Asp; replaces asparagine 8695 with aspartic acid.
Molecular consequence: missense variant. On other transcripts: intron variant (3).
Genome position (GRCh38, 1-based): chr2:178,715,103, T>C on the plus strand (A>G on the coding strand, the complement: TTN is on the minus strand). VCF-style: chr2-178715103-T-C. GRCh37 (hg19) VCF-style: chr2-179579830-T-C.
Other names: c.25132A>G, p.Asn8378Asp (NM_001256850.1); c.22351A>G, p.Asn7451Asp (NM_133378.4); c.13282+22979A>G (NM_003319.4); c.13858+22979A>G (NM_133437.4); c.13657+22979A>G (NM_133432.3); short protein forms N8378D, N7451D, N8695D.
Identifiers: ClinVar variation 4981342 (VCV004981342.1).